The following is an entry in ClinVar:

ClinVar aggregate classification (germline): Uncertain significance (1 of 4 stars; one submission).

Conditions:
Cornelia de Lange syndrome 5 (CDLS5). Also called: HDAC8-Related Cornelia de Lange Syndrome. Identifiers: Orphanet 199, MedGen C3550903, MONDO:0010471, OMIM 300882.

Submission:

Labcorp Genetics (formerly Invitae), Labcorp
Classification: Uncertain significance for Cornelia de Lange syndrome 5. Last evaluated: 2024-04-03. Review status: criteria provided, single submitter. Criteria: Invitae Variant Classification Sherloc (09022015). Collection method: clinical testing. Allele origin: germline.
Comment: This sequence change replaces tryptophan, which is neutral and slightly polar, with leucine, which is neutral and non-polar, at codon 137 of the HDAC8 protein (p.Trp137Leu). This variant is not present in population databases (gnomAD no frequency). This variant has not been reported in the literature in individuals affected with HDAC8-related conditions. Advanced modeling of protein sequence and biophysical properties (such as structural, functional, and spatial information, amino acid conservation, physicochemical variation, residue mobility, and thermodynamic stability) performed at Invitae indicates that this missense variant is not expected to disrupt HDAC8 protein function with a negative predictive value of 80%. In summary, the available evidence is currently insufficient to determine the role of this variant in disease. Therefore, it has been classified as a Variant of Uncertain Significance.

NM_018486.3(HDAC8):c.410G>T (p.Trp137Leu)

Gene: HDAC8 (histone deacetylase 8; minus strand). Cytogenetic location: Xq13.1.
Variant type: single nucleotide variant.
Coding change: c.410G>T on transcript NM_018486.3 (MANE Select); coding-DNA position 410, G replaced by T.
Protein change: p.Trp137Leu; replaces tryptophan 137 with leucine.
Molecular consequence: missense variant. On other transcripts: intron variant (3).
Genome position (GRCh38, 1-based): chrX:72,567,916, C>A on the plus strand (G>T on the coding strand, the complement: HDAC8 is on the minus strand). VCF-style: chrX-72567916-C-A. GRCh37 (hg19) VCF-style: chrX-71787766-C-A.
Other names: c.410G>T, p.Trp137Leu (NM_001166419.2, NM_001166420.2, NM_001166422.2 and 4 more transcripts); c.164+4141G>T (NM_001166418.2, NM_001410728.1, NM_001166448.2); short protein forms W137L.
Identifiers: ClinVar variation 3642292 (VCV003642292.2).